The following is an entry in ClinVar:

ClinVar aggregate classification (germline): Uncertain significance (1 of 4 stars; one submission).

Conditions:
EP300-related disorder. Also called: EP300-related condition; EP300-related disorders.

gnomAD v4.1: 4 of 1,614,128 alleles (0.00025%); highest among the groups gnomAD compares: East Asian, 0.0022%; no homozygotes.

Submission:

PreventionGenetics, part of Exact Sciences
Classification: Uncertain significance for EP300-related condition. Last evaluated: 2025-12-22. Review status: criteria provided, single submitter. Criteria: ACMG Guidelines, 2015. Collection method: clinical testing. Allele origin: germline.
Comment: The EP300 c.5185G>A variant is predicted to result in the amino acid substitution p.Asp1729Asn. To our knowledge, this variant has not been reported in the literature or in a large population database (gnomAD), indicating this variant is rare. At this time, the clinical significance of this variant is uncertain due to the absence of conclusive functional and genetic evidence.

NM_001429.4(EP300):c.5185G>A (p.Asp1729Asn)

Gene: EP300 (EP300 lysine acetyltransferase; plus strand). Cytogenetic location: 22q13.2.
Variant type: single nucleotide variant.
Coding change: c.5185G>A on transcript NM_001429.4 (MANE Select); coding-DNA position 5185, G replaced by A.
Protein change: p.Asp1729Asn; replaces aspartic acid 1729 with asparagine.
Molecular consequence: missense variant.
Genome position (GRCh38, 1-based): chr22:41,176,896, G>A. VCF-style: chr22-41176896-G-A. GRCh37 (hg19) VCF-style: chr22-41572900-G-A.
Other names: c.5107G>A, p.Asp1703Asn (NM_001362843.2); short protein forms D1729N, D1703N.
Identifiers: ClinVar variation 4982041 (VCV004982041.1).